The following is an entry in ClinVar:

NM_006514.4(SCN10A):c.4568G>A (p.Cys1523Tyr)

Gene: SCN10A (sodium voltage-gated channel alpha subunit 10; minus strand). Cytogenetic location: 3p22.2.
Variant type: single nucleotide variant.
Coding change: c.4568G>A on transcript NM_006514.4 (MANE Select); coding-DNA position 4568, G replaced by A.
Protein change: p.Cys1523Tyr; replaces cysteine 1523 with tyrosine.
Molecular consequence: missense variant.
Genome position (GRCh38, 1-based): chr3:38,701,928, C>T on the plus strand (G>A on the coding strand, the complement: SCN10A is on the minus strand). VCF-style: chr3-38701928-C-T. GRCh37 (hg19) VCF-style: chr3-38743419-C-T.
Other names: c.4565G>A, p.Cys1522Tyr (NM_001293306.2); c.4274G>A, p.Cys1425Tyr (NM_001293307.2); short protein forms C1523Y, C1425Y, C1522Y.
Identifiers: ClinVar variation 220789 (VCV000220789.48), dbSNP rs142217269, ClinGen allele CA350331.

ClinVar aggregate classification (germline): Benign/Likely benign. Review status: criteria provided, multiple submitters, no conflicts (2 of 4 stars). 10 submissions from 10 submitters: Benign (1); Likely benign (6). 3 of the submissions do not count toward it. Last evaluated 2026-04-01.

Conditions:
SCN10A-related disorder. Also called: SCN10A-related condition.
Cardiovascular phenotype. Identifiers: MedGen CN230736.
Brugada syndrome. Also called: Sudden unexplained nocturnal death syndrome; Sudden Unexplained Death Syndrome; Sudden Unexplained Nocturnal Death Syndrome (SUNDS); Sudden unexpected nocturnal death syndrome. Identifiers: Orphanet 130, MedGen C1142166, MONDO:0015263.

Allele frequency attached by ClinVar (database versions not stated): TOPMed 0.00133; gnomAD 0.00134 and 0.00127; ESP Exome Variant Server 0.00185; gnomAD exomes 0.00219 and 0.00115; 1000 Genomes Project 30x 0.00031; 1000 Genomes Project 0.00040; ExAC 0.00111.
gnomAD v4.1: 3,331 of 1,614,208 alleles (0.21%); highest among the groups gnomAD compares: Non-Finnish European, 0.27%; 6 homozygotes.

Submissions (10):

CeGaT Center for Human Genetics Tuebingen
Classification: Likely benign. Last evaluated: 2026-04-01. Review status: criteria provided, single submitter. Criteria: CeGaT Center For Human Genetics Tuebingen Variant Classification Criteria Version 2. Collection method: clinical testing. Allele origin: germline. Affected: yes. Observed: 5 variant alleles.
Comment: SCN10A: BS1

Labcorp Genetics (formerly Invitae), Labcorp
Classification: Likely benign for Brugada syndrome. Last evaluated: 2026-01-24. Review status: criteria provided, single submitter. Criteria: Invitae Variant Classification Sherloc (09022015). Collection method: clinical testing. Allele origin: germline.

Blueprint Genetics
Classification: Likely benign. Last evaluated: 2024-10-14. Review status: criteria provided, single submitter. Criteria: ACMG Guidelines, 2015. Collection method: clinical testing. Allele origin: germline.

Women's Health and Genetics/Laboratory Corporation of America, LabCorp
Classification: Likely benign. Last evaluated: 2024-06-17. Review status: criteria provided, single submitter. Criteria: LabCorp Variant Classification Summary - May 2015. Collection method: clinical testing. Allele origin: germline.

Mayo Clinic Laboratories, Mayo Clinic
Classification: Benign. Last evaluated: 2022-08-19. Review status: criteria provided, single submitter. Criteria: ACMG Guidelines, 2015. Collection method: clinical testing. Allele origin: germline. Observed: 5 variant alleles.

GeneDx
Classification: Likely benign. Last evaluated: 2020-09-21. Review status: criteria provided, single submitter. Criteria: GeneDx Variant Classification Process June 2021. Collection method: clinical testing. Allele origin: germline. Affected: yes.
Comment: This variant is associated with the following publications: (PMID: 25053638, 26733327, 25691538, 25691686, 23115331, 25250524, 28074886)

Ambry Genetics
Classification: Likely benign for Cardiovascular phenotype. Last evaluated: 2019-02-05. Review status: criteria provided, single submitter. Criteria: Ambry Variant Classification Scheme 2023. Collection method: clinical testing. Allele origin: germline.

PreventionGenetics, part of Exact Sciences
Classification: Likely benign for SCN10A-related condition. Last evaluated: 2020-05-05. Review status: no assertion criteria provided. Collection method: clinical testing. Allele origin: germline. Not counted in ClinVar's aggregate classification.
Comment: This variant is classified as likely benign based on ACMG/AMP sequence variant interpretation guidelines (Richards et al. 2015 PMID: 25741868, with internal and published modifications).

Clinical Genetics, Academic Medical Center
Classification: Benign. Review status: no assertion criteria provided. Collection method: clinical testing. Allele origin: germline. Affected: yes. Study: VKGL Data-share Consensus. Not counted in ClinVar's aggregate classification.

Diagnostic Laboratory, Department of Genetics, University Medical Center Groningen
Classification: Likely benign. Review status: no assertion criteria provided. Collection method: clinical testing. Allele origin: germline. Affected: yes. Study: VKGL Data-share Consensus. Not counted in ClinVar's aggregate classification.

Literature cited by the submitters: PubMed 23115331 (cited by Ambry Genetics); PubMed 25053638 (cited by Ambry Genetics); PubMed 25691538 (cited by Ambry Genetics); PubMed 25691686 (cited by Ambry Genetics); PubMed 28074886 (cited by Ambry Genetics).